The following is an entry in ClinVar:

NM_020937.4(FANCM):c.850A>G (p.Arg284Gly)

Gene: FANCM (FA complementation group M; plus strand). Cytogenetic location: 14q21.2.
Variant type: single nucleotide variant.
Coding change: c.850A>G on transcript NM_020937.4 (MANE Select); coding-DNA position 850, A replaced by G.
Protein change: p.Arg284Gly; replaces arginine 284 with glycine.
Molecular consequence: missense variant.
Genome position (GRCh38, 1-based): chr14:45,148,927, A>G. VCF-style: chr14-45148927-A-G. GRCh37 (hg19) VCF-style: chr14-45618130-A-G.
Other names: c.772A>G, p.Arg258Gly (NM_001308133.2); c.850A>G, p.Arg284Gly (NM_001308134.2); short protein forms R284G, R258G.
Identifiers: ClinVar variation 3512967 (VCV003512967.1).

ClinVar aggregate classification (germline): Uncertain significance (1 of 4 stars; one submission).

Conditions:
Inborn genetic diseases. Identifiers: MedGen C0950123, MeSH D030342.

Submission:

Ambry Genetics
Classification: Uncertain significance for Inborn genetic diseases. Last evaluated: 2024-12-03. Review status: criteria provided, single submitter. Criteria: Ambry Variant Classification Scheme 2023. Collection method: clinical testing. Allele origin: germline.
Comment: The p.R284G variant (also known as c.850A>G), located in coding exon 4 of the FANCM gene, results from an A to G substitution at nucleotide position 850. The arginine at codon 284 is replaced by glycine, an amino acid with dissimilar properties. This amino acid position is conserved. In addition, the in silico prediction for this alteration is inconclusive. Based on the available evidence, the clinical significance of this variant remains unclear.